The following is an entry in ClinVar:

ClinVar aggregate classification (germline): Pathogenic/Likely pathogenic. Review status: criteria provided, multiple submitters, no conflicts (2 of 4 stars). 3 submissions from 3 submitters: Pathogenic (2); Likely pathogenic (1). Last evaluated 2023-12-18.

Conditions:
Amelocerebrohypohidrotic syndrome (KTZS). Also called: Kohlschutter's syndrome; KOHLSCHUTTER SYNDROME; EPILEPSY AND YELLOW TEETH; EPILEPSY, DEMENTIA, AND AMELOGENESIS IMPERFECTA. Identifiers: Orphanet 1946, MedGen C0406740, MONDO:0009185, OMIM 226750.

Submissions (3):

Labcorp Genetics (formerly Invitae), Labcorp
Classification: Pathogenic for Amelocerebrohypohidrotic syndrome. Last evaluated: 2023-12-18. Review status: criteria provided, single submitter. Criteria: Invitae Variant Classification Sherloc (09022015). Collection method: clinical testing. Allele origin: germline.
Comment: This sequence change creates a premature translational stop signal (p.Glu170Profs*73) in the ROGDI gene. It is expected to result in an absent or disrupted protein product. Loss-of-function variants in ROGDI are known to be pathogenic (PMID: 22424600, 23086778). This variant is not present in population databases (gnomAD no frequency). This variant has not been reported in the literature in individuals affected with ROGDI-related conditions. ClinVar contains an entry for this variant (Variation ID: 453294). For these reasons, this variant has been classified as Pathogenic.

Fulgent Genetics
Classification: Likely pathogenic for Amelocerebrohypohidrotic syndrome. Last evaluated: 2021-11-03. Review status: criteria provided, single submitter. Criteria: ACMG Guidelines, 2015. Collection method: clinical testing. Allele origin: unknown.

Undiagnosed Diseases Network, NIH
Classification: Pathogenic for Amelocerebrohypohidrotic syndrome. Last evaluated: 2015-12-23. Review status: criteria provided, single submitter. Criteria: ACMG Guidelines, 2015. Collection method: clinical testing. Allele origin: paternal. Affected: yes. Observed: 1 compound heterozygote.

Literature cited by the submitters: PubMed 22424600 (cited by Labcorp Genetics (formerly Invitae), Labcorp); PubMed 23086778 (cited by Labcorp Genetics (formerly Invitae), Labcorp).

NM_024589.3(ROGDI):c.506_507dup (p.Glu170fs)

Gene: ROGDI (rogdi atypical leucine zipper; minus strand). Cytogenetic location: 16p13.3.
Variant type: Duplication.
Coding change: c.506_507dup on transcript NM_024589.3 (MANE Select); coding-DNA positions 506 to 507, 2 bases duplicated (CC; older notation c.506_507dupCC).
Protein change: p.Glu170fs; shifts the reading frame from glutamic acid 170.
Molecular consequence: frameshift variant. On other transcripts: non-coding transcript variant (1).
Genome position (GRCh38, 1-based): chr16:4,798,593-4,798,594, GG duplicated on the plus strand (CC on the coding strand, the reverse complement: ROGDI is on the minus strand); duplicating any 2 consecutive bases within chr16:4,798,593-4,798,596 gives the same sequence; the c. name uses the placement nearest the transcript's 3' end. VCF-style (leftmost placement, unchanged base first): chr16-4798592-C-CGG. GRCh37 (hg19) VCF-style: chr16-4848593-C-CGG.
Other names: short protein forms E170fs.
Identifiers: ClinVar variation 453294 (VCV000453294.11), dbSNP rs786205124, ClinGen allele CA620513207.